The following is an entry in ClinVar:

ClinVar aggregate classification (germline): Likely benign. Review status: criteria provided, single submitter (1 of 4 stars). 2 submissions from 2 submitters: Likely benign (1). 1 of the submissions does not count toward it. Last evaluated 2026-01-20.

Conditions:
CIB2-related disorder. Also called: CIB2-related condition.

Allele frequency attached by ClinVar (database versions not stated): gnomAD 0.00006 and 0.00007; ESP Exome Variant Server 0.00015.
gnomAD v4.1: 150 of 1,613,000 alleles (0.0093%); highest among the groups gnomAD compares: Non-Finnish European, 0.012%; no homozygotes.

Submissions (2):

Labcorp Genetics (formerly Invitae), Labcorp
Classification: Likely benign. Last evaluated: 2026-01-20. Review status: criteria provided, single submitter. Criteria: Invitae Variant Classification Sherloc (09022015). Collection method: clinical testing. Allele origin: germline.

PreventionGenetics, part of Exact Sciences
Classification: Likely benign for CIB2-related condition. Last evaluated: 2024-03-21. Review status: no assertion criteria provided. Collection method: clinical testing. Allele origin: germline. Not counted in ClinVar's aggregate classification.
Comment: This variant is classified as likely benign based on ACMG/AMP sequence variant interpretation guidelines (Richards et al. 2015 PMID: 25741868, with internal and published modifications).

NM_006383.4(CIB2):c.347-7C>A

Gene: CIB2 (calcium and integrin binding family member 2; minus strand). Cytogenetic location: 15q25.1.
Variant type: single nucleotide variant.
Coding change: c.347-7C>A on transcript NM_006383.4 (MANE Select); 7 bases into the intron before coding-DNA position 347, C replaced by A.
Molecular consequence: intron variant.
Genome position (GRCh38, 1-based): chr15:78,105,941, G>T on the plus strand (C>A on the coding strand, the complement: CIB2 is on the minus strand). VCF-style: chr15-78105941-G-T. GRCh37 (hg19) VCF-style: chr15-78398283-G-T.
Other names: c.200-7C>A (NM_001271889.2); c.218-7C>A (NM_001271888.2); c.362-7C>A (NM_001301224.2); c.347-7C>A (NM_006383.3).
Identifiers: ClinVar variation 1487377 (VCV001487377.9), dbSNP rs369495332, ClinGen allele CA7680187.
Genomic context (GRCh38, chr15:78,105,941, plus strand): 5'-GGGCCAGCGTCAGCTCCAGGTCCTCCTTGCAGATGAAGTTGTCAGTGTTGAAGTCTGTAG[G>T]GCAGGGGTTGGACATGTTCAAGTCCAGGCTGCGTGCACCCAGGGACCCCTACACTATAGC-3'